The following is an entry in ClinVar:

ClinVar aggregate classification (germline): Uncertain significance (1 of 4 stars; one submission).

Conditions:
Malignant hyperthermia, susceptibility to, 1 (MHS1). Also called: RYR1-Related Malignant Hyperthermia Susceptibility; Malignant hyperthermia suceptibility 1; Anesthesia related hyperthermia; Malignant hyperpyrexia; Fulminating hyperpyrexia; Pharmacogenic myopathy. Identifiers: Orphanet 423, MedGen C2930980, MONDO:0007783, OMIM 145600.

gnomAD v4.1: 3 of 1,614,032 alleles (0.00019%); highest among the groups gnomAD compares: Non-Finnish European, 0.00025%; no homozygotes.

Submission:

Color Diagnostics, LLC DBA Color Health
Classification: Uncertain significance for Malignant hyperthermia, susceptibility to, 1. Last evaluated: 2023-08-17. Review status: criteria provided, single submitter. Criteria: ACMG Guidelines, 2015. Collection method: clinical testing. Allele origin: germline.
Comment: This missense variant replaces leucine with methionine at codon 389 of the RYR1 protein. Computational prediction is inconclusive regarding the impact of this variant on protein structure and function. To our knowledge, functional studies have not been reported for this variant. This variant has not been reported in individuals affected with RYR1-related disorders in the literature. This variant has been identified in 1/251362 chromosomes in the general population by the Genome Aggregation Database (gnomAD). The available evidence is insufficient to determine the role of this variant in disease conclusively. Therefore, this variant is classified as a Variant of Uncertain Significance.

NM_000540.3(RYR1):c.1165C>A (p.Leu389Met)

Gene: RYR1 (ryanodine receptor 1; plus strand). Cytogenetic location: 19q13.2.
Variant type: single nucleotide variant.
Coding change: c.1165C>A on transcript NM_000540.3 (MANE Select); coding-DNA position 1165, C replaced by A.
Protein change: p.Leu389Met; replaces leucine 389 with methionine.
Molecular consequence: missense variant.
Genome position (GRCh38, 1-based): chr19:38,451,806, C>A. VCF-style: chr19-38451806-C-A. GRCh37 (hg19) VCF-style: chr19-38942446-C-A.
Other names: c.1165C>A, p.Leu389Met (NM_001042723.2); short protein forms L389M.
Identifiers: ClinVar variation 4758374 (VCV004758374.1).